The following is an entry in ClinVar:

NM_006662.3(SRCAP):c.6862_6867del (p.Pro2288_Gly2289del)

Gene: SRCAP (Snf2 related CREBBP activator protein; plus strand). Cytogenetic location: 16p11.2.
Variant type: Deletion.
Coding change: c.6862_6867del on transcript NM_006662.3 (MANE Select); coding-DNA positions 6862 to 6867, 6 bases deleted (CCTGGG; older notation c.6862_6867delCCTGGG).
Protein change: p.Pro2288_Gly2289del.
Genome position (GRCh38, 1-based): chr16:30,736,332-30,736,337, CCTGGG deleted; deleting any 6 consecutive bases within chr16:30,736,330-30,736,337 gives the same sequence; the c. name uses the placement nearest the transcript's 3' end. VCF-style (leftmost placement, unchanged base first): chr16-30736329-CGGCCTG-C. GRCh37 (hg19) VCF-style: chr16-30747650-CGGCCTG-C.
Identifiers: ClinVar variation 3580196 (VCV003580196.3).

ClinVar aggregate classification (germline): Uncertain significance. Review status: criteria provided, multiple submitters, no conflicts (2 of 4 stars). 2 submissions from 2 submitters: Uncertain significance (2). Last evaluated 2024-05-13.

Conditions:
Floating-Harbor syndrome (FLHS). Also called: Short stature with delayed bone age, expressive language delay, a triangular face with a prominent nose and deep-set eyes; Pelletier-Leisti syndrome; SRCAP-Related Floating-Harbor Syndrome. Identifiers: Orphanet 2044, MedGen C0729582, MONDO:0007621, OMIM 136140.
Developmental delay, hypotonia, musculoskeletal defects, and behavioral abnormalities. Identifiers: MedGen C5562012, MONDO:0859202, OMIM 619595.

Submissions (2):

Fulgent Genetics
Classification: Uncertain significance for Floating-Harbor syndrome; Developmental delay, hypotonia, musculoskeletal defects, and behavioral abnormalities. Last evaluated: 2024-05-13. Review status: criteria provided, single submitter. Criteria: ACMG Guidelines, 2015. Collection method: clinical testing. Allele origin: germline.

Juno Genomics, Hangzhou Juno Genomics, Inc
Classification: Uncertain significance for Developmental delay, hypotonia, musculoskeletal defects, and behavioral abnormalities; Floating-Harbor syndrome. Review status: criteria provided, single submitter. Criteria: ACMG Guidelines, 2015. Collection method: clinical testing. Allele origin: germline.
Comment: Absent from controls (or at extremely low frequency if recessive) in Genome Aggregation Database.;Protein length changes due to in-frame deletions/insertions in a non-repeat region or stop-loss variants.